The following is an entry in ClinVar:

ClinVar aggregate classification (germline): Uncertain significance. Review status: criteria provided, multiple submitters, no conflicts (2 of 4 stars). 2 submissions from 2 submitters: Uncertain significance (2). Last evaluated 2024-12-03.

Conditions:
PEX11B-related disorder. Also called: PEX11B-related condition.

Allele frequency attached by ClinVar (database versions not stated): TOPMed 0.00002.
gnomAD v4.1: 4 of 1,601,118 alleles (0.00025%); highest among the groups gnomAD compares: Non-Finnish European, 0.00026%; no homozygotes.

Submissions (2):

PreventionGenetics, part of Exact Sciences
Classification: Uncertain significance for PEX11B-related condition. Last evaluated: 2024-12-03. Review status: criteria provided, single submitter. Criteria: ACMG Guidelines, 2015. Collection method: clinical testing. Allele origin: germline.
Comment: The PEX11B c.153C>G variant is predicted to result in the amino acid substitution p.His51Gln. To our knowledge, this variant has not been reported in the literature or in a large population database (gnomAD), indicating this variant is rare. At this time, the clinical significance of this variant is uncertain due to the absence of conclusive functional and genetic evidence.

Labcorp Genetics (formerly Invitae), Labcorp
Classification: Uncertain significance. Last evaluated: 2024-10-16. Review status: criteria provided, single submitter. Criteria: Invitae Variant Classification Sherloc (09022015). Collection method: clinical testing. Allele origin: germline.
Comment: This sequence change replaces histidine, which is basic and polar, with glutamine, which is neutral and polar, at codon 51 of the PEX11B protein (p.His51Gln). This variant is not present in population databases (gnomAD no frequency). This variant has not been reported in the literature in individuals affected with PEX11B-related conditions. ClinVar contains an entry for this variant (Variation ID: 1001871). An algorithm developed to predict the effect of missense changes on protein structure and function (PolyPhen-2) suggests that this variant is likely to be disruptive. In summary, the available evidence is currently insufficient to determine the role of this variant in disease. Therefore, it has been classified as a Variant of Uncertain Significance.

NM_003846.3(PEX11B):c.153C>G (p.His51Gln)

Gene: PEX11B (peroxisomal biogenesis factor 11 beta; minus strand). Cytogenetic location: 1q21.1.
Variant type: single nucleotide variant.
Coding change: c.153C>G on transcript NM_003846.3 (MANE Select); coding-DNA position 153, C replaced by G.
Protein change: p.His51Gln; replaces histidine 51 with glutamine.
Molecular consequence: missense variant. On other transcripts: non-coding transcript variant (3).
Genome position (GRCh38, 1-based): chr1:145,917,720, G>C on the plus strand (C>G on the coding strand, the complement: PEX11B is on the minus strand). VCF-style: chr1-145917720-G-C. GRCh37 (hg19) VCF-style: chr1-145517369-C-G.
Other names: c.111C>G, p.His37Gln (NM_001184795.1); c.153C>G (NM_003846.2); short protein forms H37Q, H51Q.
Identifiers: ClinVar variation 1001871 (VCV001001871.6), dbSNP rs1647479756, ClinGen allele CA342124061.